The following is an entry in ClinVar:

NM_172351.3(CD46):c.97+1G>A

Genes: CD46 (CD46 molecule; plus strand), LOC129932405 (ATAC-STARR-seq lymphoblastoid active region 2449; plus strand). Cytogenetic location: 1q32.2.
Variant type: single nucleotide variant.
Coding change: c.97+1G>A on transcript NM_172351.3 (MANE Select); the canonical splice donor site of the intron after coding-DNA position 97, G replaced by A.
Molecular consequence: splice donor variant.
Genome position (GRCh38, 1-based): chr1:207,752,310, G>A. VCF-style: chr1-207752310-G-A. GRCh37 (hg19) VCF-style: chr1-207925655-G-A.
Other names: c.97+1G>A (NM_002389.4, NM_172359.3, NM_153826.4 and 8 more transcripts).
Identifiers: ClinVar variation 4291204 (VCV004291204.2).

ClinVar aggregate classification (germline): Likely pathogenic/Pathogenic, low penetrance. Review status: criteria provided, multiple submitters, no conflicts (2 of 4 stars). 2 submissions from 2 submitters: Likely pathogenic (1); Pathogenic, low penetrance (1). Last evaluated 2025-10-02.

Conditions:
Atypical hemolytic-uremic syndrome. Identifiers: Orphanet 2134, MedGen C2931788, MONDO:0016244.
CD46-related disorders.

gnomAD v4.1: 4 of 1,613,798 alleles (0.00025%); highest among the groups gnomAD compares: Non-Finnish European, 0.000085%; no homozygotes.

Submissions (2):

Genomenon, Inc
Classification: Pathogenic, low penetrance for Atypical hemolytic-uremic syndrome. Last evaluated: 2025-10-02. Review status: criteria provided, single submitter. Criteria: Genomenon Sequence Variant Interpretation Standards. Collection method: curation. Allele origin: germline. Affected: yes.
Comment: CD46 c.97+1G>A is a canonical splice variant located in the donor splice region in intron 1. It is predicted to affect mRNA splicing, leading to a deleterious effect on the CD46 protein. This variant has been observed in at least one proband affected with atypical hemolytic-uremic syndrome (PMID:37744338). It is absent or not present at a significant frequency in gnomAD. In conclusion, we classify CD46 c.97+1G>A as a pathogenic variant.

Blueprint Genetics
Classification: Likely pathogenic for CD46-related disorders. Last evaluated: 2020-01-07. Review status: criteria provided, single submitter. Criteria: ACMG Guidelines, 2015. Collection method: clinical testing. Allele origin: germline. Affected: yes. Observed: 2 variant alleles.

Literature cited by the submitters: PubMed 37744338 (cited by Genomenon, Inc).